The following is an entry in ClinVar:

NM_001367561.1(DOCK7):c.2696A>G (p.Asn899Ser)

Gene: DOCK7 (dedicator of cytokinesis 7; minus strand). Cytogenetic location: 1p31.3.
Variant type: single nucleotide variant.
Coding change: c.2696A>G on transcript NM_001367561.1 (MANE Select); coding-DNA position 2696, A replaced by G.
Protein change: p.Asn899Ser; replaces asparagine 899 with serine.
Molecular consequence: missense variant.
Genome position (GRCh38, 1-based): chr1:62,552,802, T>C on the plus strand (A>G on the coding strand, the complement: DOCK7 is on the minus strand). VCF-style: chr1-62552802-T-C. GRCh37 (hg19) VCF-style: chr1-63018473-T-C.
Other names: c.2696A>G, p.Asn899Ser (NM_001271999.2, NM_001272000.2, NM_001272001.2 and 2 more transcripts); short protein forms N899S.
Identifiers: ClinVar variation 1371600 (VCV001371600.8), dbSNP rs763241007, ClinGen allele CA340620166.

ClinVar aggregate classification (germline): Uncertain significance (1 of 4 stars; one submission).

Conditions:
Developmental and epileptic encephalopathy, 23 (DEE23). Also called: Epileptic encephalopathy, early infantile, 23. Identifiers: Orphanet 411986, MedGen C4014492, MONDO:0014371, OMIM 615859.

Submission:

Labcorp Genetics (formerly Invitae), Labcorp
Classification: Uncertain significance for Developmental and epileptic encephalopathy, 23. Last evaluated: 2023-05-07. Review status: criteria provided, single submitter. Criteria: Invitae Variant Classification Sherloc (09022015). Collection method: clinical testing. Allele origin: germline.
Comment: This variant has not been reported in the literature in individuals affected with DOCK7-related conditions. ClinVar contains an entry for this variant (Variation ID: 1371600). An algorithm developed to predict the effect of missense changes on protein structure and function (PolyPhen-2) suggests that this variant is likely to be tolerated. In summary, the available evidence is currently insufficient to determine the role of this variant in disease. Therefore, it has been classified as a Variant of Uncertain Significance. This variant is not present in population databases (gnomAD no frequency). This sequence change replaces asparagine, which is neutral and polar, with serine, which is neutral and polar, at codon 899 of the DOCK7 protein (p.Asn899Ser).